The following is an entry in ClinVar:

NM_000334.4(SCN4A):c.760A>G (p.Met254Val)

Gene: SCN4A (sodium voltage-gated channel alpha subunit 4; minus strand). Cytogenetic location: 17q23.3.
Variant type: single nucleotide variant.
Coding change: c.760A>G on transcript NM_000334.4 (MANE Select); coding-DNA position 760, A replaced by G.
Protein change: p.Met254Val; replaces methionine 254 with valine.
Molecular consequence: missense variant.
Genome position (GRCh38, 1-based): chr17:63,968,299, T>C on the plus strand (A>G on the coding strand, the complement: SCN4A is on the minus strand). VCF-style: chr17-63968299-T-C. GRCh37 (hg19) VCF-style: chr17-62045659-T-C.
Other names: short protein forms M254V.
Identifiers: ClinVar variation 2828270 (VCV002828270.4), dbSNP rs2509320801, ClinGen allele CA400637760.

ClinVar aggregate classification (germline): Uncertain significance. Review status: criteria provided, multiple submitters, no conflicts (2 of 4 stars). 2 submissions from 2 submitters: Uncertain significance (2). Last evaluated 2024-06-24.

Conditions:
Hyperkalemic periodic paralysis. Also called: Familial hyperkalemic periodic paralysis; Gamstorp disease. Identifiers: Orphanet 682, MedGen C0238357, MONDO:0008224, OMIM 170500, HP:0007215.

Allele frequency attached by ClinVar (database versions not stated): gnomAD exomes 0.00001.

Submissions (2):

GeneDx
Classification: Uncertain significance. Last evaluated: 2024-06-24. Review status: criteria provided, single submitter. Criteria: GeneDx Variant Classification Process June 2021. Collection method: clinical testing. Allele origin: germline. Affected: yes.
Comment: Not observed at significant frequency in large population cohorts (gnomAD); In silico analysis supports that this missense variant has a deleterious effect on protein structure/function; Has not been previously published as pathogenic or benign to our knowledge

Labcorp Genetics (formerly Invitae), Labcorp
Classification: Uncertain significance for Hyperkalemic periodic paralysis. Last evaluated: 2024-04-16. Review status: criteria provided, single submitter. Criteria: Invitae Variant Classification Sherloc (09022015). Collection method: clinical testing. Allele origin: germline.
Comment: This sequence change replaces methionine, which is neutral and non-polar, with valine, which is neutral and non-polar, at codon 254 of the SCN4A protein (p.Met254Val). This variant is not present in population databases (gnomAD no frequency). This variant has not been reported in the literature in individuals affected with SCN4A-related conditions. Advanced modeling of protein sequence and biophysical properties (such as structural, functional, and spatial information, amino acid conservation, physicochemical variation, residue mobility, and thermodynamic stability) performed at Invitae indicates that this missense variant is not expected to disrupt SCN4A protein function with a negative predictive value of 80%. In summary, the available evidence is currently insufficient to determine the role of this variant in disease. Therefore, it has been classified as a Variant of Uncertain Significance.